The following is an entry in ClinVar:

NM_000264.5(PTCH1):c.1342C>G (p.Leu448Val)

Gene: PTCH1 (patched 1; minus strand). Cytogenetic location: 9q22.32.
Variant type: single nucleotide variant.
Coding change: c.1342C>G on transcript NM_000264.5 (MANE Select); coding-DNA position 1342, C replaced by G.
Protein change: p.Leu448Val; replaces leucine 448 with valine.
Molecular consequence: missense variant. On other transcripts: non-coding transcript variant (1).
Genome position (GRCh38, 1-based): chr9:95,478,060, G>C on the plus strand (C>G on the coding strand, the complement: PTCH1 is on the minus strand). VCF-style: chr9-95478060-G-C. GRCh37 (hg19) VCF-style: chr9-98240342-G-C.
Other names: c.1342C>G (NM_000264.4); c.1144C>G, p.Leu382Val (NM_001083602.3); c.1339C>G, p.Leu447Val (NM_001083603.3); c.889C>G, p.Leu297Val (NM_001083604.3, NM_001083605.3, NM_001083606.3 and 1 more transcripts); c.1342C>G, p.Leu448Val (NM_001354918.2); short protein forms L297V, L382V, L447V, L448V.
Identifiers: ClinVar variation 841181 (VCV000841181.16), dbSNP rs537871675, ClinGen allele CA374118710.
Genomic context (GRCh38, chr9:95,478,060, plus strand): 5'-GACTAAAACAACCAAACCAAACTCCAGCCCCCAGGAGCATGGCATCGAGCGTTACCATGA[G>C]TAAGTAGCCGCTGGCCACGCGGATGACACTGACGTCAGAGAAGGATTTCAGGATGTCGTC-3'
Protein context (NP_000255.2, residues 438-458): SVIRVASGYL[Leu448Val]MLAYACLTML

ClinVar aggregate classification (germline): Uncertain significance. Review status: criteria provided, multiple submitters, no conflicts (2 of 4 stars). 5 submissions from 5 submitters: Uncertain significance (5). Last evaluated 2025-08-08.

Conditions:
Hereditary cancer-predisposing syndrome. Also called: Hereditary Cancer Syndrome; Neoplastic Syndromes, Hereditary; Hereditary neoplastic syndrome; Tumor predisposition. Identifiers: Orphanet 140162, MedGen C0027672, MeSH D009386, MONDO:0015356.
Gorlin syndrome. Also called: Nevoid Basal Cell Carcinoma Syndrome; Basal cell nevus syndrome. Identifiers: Orphanet 377, MedGen C0004779, MONDO:0007187.
Basal cell carcinoma, susceptibility to, 1. Also called: BCC1. Identifiers: MedGen C2751544, MONDO:0011556, OMIM 605462.

gnomAD v4.1: 13 of 1,614,218 alleles (0.00081%); highest among the groups gnomAD compares: Admixed American, 0.0017%; no homozygotes.

Submissions (5):

Quest Diagnostics Nichols Institute San Juan Capistrano
Classification: Uncertain significance. Last evaluated: 2025-08-08. Review status: criteria provided, single submitter. Criteria: Quest Diagnostics criteria. Collection method: clinical testing. Allele origin: unknown.
Comment: This test has identified one copy of the c.1342C>G (p.Leu448Val) variant in the PTCH1 gene. To the best of our knowledge, this variant has not been reported in the published literature. This variant has not been reported in large, multi-ethnic general populations (Genome Aggregation Database). Analysis of this variant using bioinformatics tools (i.e., MutationTaster and PolyPhen-2) for the prediction of the effect of amino acid changes on protein structure and function yielded predictions that this variant is damaging. Please note that these prediction tools are not fully validated, and therefore, should be viewed with caution. Based on the available information, we are unable to determine the clinical significance of this variant.

Labcorp Genetics (formerly Invitae), Labcorp
Classification: Uncertain significance for Gorlin syndrome. Last evaluated: 2025-05-22. Review status: criteria provided, single submitter. Criteria: Invitae Variant Classification Sherloc (09022015). Collection method: clinical testing. Allele origin: germline.
Comment: This sequence change replaces leucine, which is neutral and non-polar, with valine, which is neutral and non-polar, at codon 448 of the PTCH1 protein (p.Leu448Val). This variant is not present in population databases (gnomAD no frequency). This variant has not been reported in the literature in individuals affected with PTCH1-related conditions. ClinVar contains an entry for this variant (Variation ID: 841181). Invitae Evidence Modeling of protein sequence and biophysical properties (such as structural, functional, and spatial information, amino acid conservation, physicochemical variation, residue mobility, and thermodynamic stability) indicates that this missense variant is not expected to disrupt PTCH1 protein function with a negative predictive value of 95%. In summary, the available evidence is currently insufficient to determine the role of this variant in disease. Therefore, it has been classified as a Variant of Uncertain Significance.

Ambry Genetics
Classification: Uncertain significance for Hereditary cancer-predisposing syndrome. Last evaluated: 2025-04-17. Review status: criteria provided, single submitter. Criteria: Ambry Variant Classification Scheme 2023. Collection method: clinical testing. Allele origin: germline.
Comment: The p.L448V variant (also known as c.1342C>G), located in coding exon 9 of the PTCH1 gene, results from a C to G substitution at nucleotide position 1342. The leucine at codon 448 is replaced by valine, an amino acid with highly similar properties. This amino acid position is highly conserved in available vertebrate species. In addition, this alteration is predicted to be deleterious by in silico analysis. Since supporting evidence is limited at this time, the clinical significance of this alteration remains unclear.

Baylor Genetics
Classification: Uncertain significance for Basal cell carcinoma, susceptibility to, 1. Last evaluated: 2023-06-21. Review status: criteria provided, single submitter. Criteria: ACMG Guidelines, 2015. Collection method: clinical testing. Allele origin: unknown.

Blueprint Genetics
Classification: Uncertain significance. Last evaluated: 2022-03-16. Review status: criteria provided, single submitter. Criteria: ACMG Guidelines, 2015. Collection method: clinical testing. Allele origin: germline.